The following is an entry in ClinVar:

NM_205836.3(FBXO38):c.3131G>A (p.Arg1044His)

Gene: FBXO38 (F-box protein 38; plus strand). Cytogenetic location: 5q32.
Variant type: single nucleotide variant.
Coding change: c.3131G>A on transcript NM_205836.3 (MANE Select); coding-DNA position 3131, G replaced by A.
Protein change: p.Arg1044His; replaces arginine 1044 with histidine.
Molecular consequence: missense variant.
Genome position (GRCh38, 1-based): chr5:148,439,753, G>A. VCF-style: chr5-148439753-G-A. GRCh37 (hg19) VCF-style: chr5-147819316-G-A.
Other names: c.2396G>A, p.Arg799His (NM_001271723.2); c.2906G>A, p.Arg969His (NM_030793.5); short protein forms R969H, R1044H, R799H.
Identifiers: ClinVar variation 963656 (VCV000963656.11), dbSNP rs1754565238, ClinGen allele CA361660896.

ClinVar aggregate classification (germline): Uncertain significance (1 of 4 stars; one submission).

Conditions:
Distal hereditary motor neuropathy type 2. Identifiers: Orphanet 139525, MedGen C3711384, MeSH C580044, MONDO:0015352.

gnomAD v4.1: 2 of 1,614,006 alleles (0.00012%); highest among the groups gnomAD compares: South Asian, 0.0011%; no homozygotes.

Submission:

Labcorp Genetics (formerly Invitae), Labcorp
Classification: Uncertain significance for Distal hereditary motor neuropathy type 2. Last evaluated: 2023-10-03. Review status: criteria provided, single submitter. Criteria: Invitae Variant Classification Sherloc (09022015). Collection method: clinical testing. Allele origin: germline.
Comment: This sequence change replaces arginine, which is basic and polar, with histidine, which is basic and polar, at codon 969 of the FBXO38 protein (p.Arg969His). This variant is not present in population databases (gnomAD no frequency). This variant has not been reported in the literature in individuals affected with FBXO38-related conditions. ClinVar contains an entry for this variant (Variation ID: 963656). An algorithm developed to predict the effect of missense changes on protein structure and function (PolyPhen-2) suggests that this variant is likely to be disruptive. In summary, the available evidence is currently insufficient to determine the role of this variant in disease. Therefore, it has been classified as a Variant of Uncertain Significance.